The following is an entry in ClinVar:

ClinVar aggregate classification (germline): Pathogenic. Review status: criteria provided, multiple submitters, no conflicts (2 of 4 stars). 9 submissions from 9 submitters: Pathogenic (8). 1 of the submissions does not count toward it. Last evaluated 2026-01-06.

Conditions:
PMP22-related disorder. Also called: PMP22-related disorders; PMP22-related condition.
Inborn genetic diseases. Identifiers: MedGen C0950123, MeSH D030342.
Charcot-Marie-Tooth disease, type I (CMT1). Also called: Charcot-Marie-Tooth, Type 1; Charcot-Marie-Tooth disease type 1. Identifiers: Orphanet 65753, MedGen C0751036, MONDO:0019011.
DEJERINE-SOTTAS SYNDROME, AUTOSOMAL DOMINANT. Identifiers: MedGen C4016264.
Charcot-Marie-Tooth disease, type IA (CMT1A). Also called: Charcot-Marie-Tooth disease type 1A; CMT 1A; Hereditary motor and sensory neuropathy 1A; HMSN 1A; CHARCOT-MARIE-TOOTH DISEASE, AUTOSOMAL DOMINANT, WITH FOCALLY FOLDED MYELIN SHEATHS, TYPE 1A; CHARCOT-MARIE-TOOTH NEUROPATHY, TYPE 1A. Identifiers: Orphanet 101081, MedGen C0270911, MONDO:0007309, OMIM 118220.

Submissions (9):

3billion
Classification: Pathogenic for PMP22-related disorder. Last evaluated: 2026-01-06. Review status: criteria provided, single submitter. Criteria: ACMG Guidelines, 2015. Collection method: clinical testing. Allele origin: germline. Affected: yes.
Comment: The variant is not observed in the gnomAD v4.1.0 dataset. Predicted Consequence/Location: Missense variant In silico tool predictions suggest damaging effect of the variant on gene or gene product [REVEL: 0.89 (>=0.6, sensitivity 0.68 and specificity 0.92); 3Cnet: 0.93 (> 0.75, sensitivity 0.96 and precision 0.92)]. The same nucleotide change resulting in the same amino acid change has been previously reported as pathogenic/likely pathogenic with strong evidence (ClinVar ID: VCV000008433 /PMID: 8275092 /3billion dataset). The variant has been observed in at least two similarly affected unrelated individuals (PMID: 10399754, 9004143, 9585367). The variant has been previously reported as assumed (i.e. paternity and maternity not confirmed) de novo in at least one similarly affected unrelated individual (PMID: 11314784). Different missense changes at the same codon (p.Ser72Pro, p.Ser72Trp) have been reported as pathogenic/likely pathogenic with strong evidence (ClinVar ID: VCV000637384, VCV000637843 /PMID: 9055797, 9888385). Therefore, this variant is classified as Pathogenic according to the recommendation of ACMG/AMP guideline.

Labcorp Genetics (formerly Invitae), Labcorp
Classification: Pathogenic for Charcot-Marie-Tooth disease, type I. Last evaluated: 2024-08-06. Review status: criteria provided, single submitter. Criteria: Invitae Variant Classification Sherloc (09022015). Collection method: clinical testing. Allele origin: germline.
Comment: This sequence change replaces serine, which is neutral and polar, with leucine, which is neutral and non-polar, at codon 72 of the PMP22 protein (p.Ser72Leu). This variant is not present in population databases (gnomAD no frequency). This missense change has been observed in individual(s) with Dejerine-Sottas disease and congenital hypomyelinating neuropathy (PMID: 8275092, 9004143, 9585367, 10399754, 11314784). In at least one individual the variant was observed to be de novo. ClinVar contains an entry for this variant (Variation ID: 8433). Advanced modeling of protein sequence and biophysical properties (such as structural, functional, and spatial information, amino acid conservation, physicochemical variation, residue mobility, and thermodynamic stability) performed at Invitae indicates that this missense variant is expected to disrupt PMP22 protein function with a positive predictive value of 95%. For these reasons, this variant has been classified as Pathogenic.

GeneDx
Classification: Pathogenic. Last evaluated: 2022-02-08. Review status: criteria provided, single submitter. Criteria: GeneDx Variant Classification Process June 2021. Collection method: clinical testing. Allele origin: germline. Affected: yes.
Comment: Not observed at significant frequency in large population cohorts (gnomAD); In silico analysis, which includes protein predictors and evolutionary conservation, supports a deleterious effect; This variant is associated with the following publications: (PMID: 10399754, 11314784, 9888385, 15285778, 8275092, 21840889, 19748054, 19705173, 31130284, 32005694)

Laboratory of Medical Genetics, National & Kapodistrian University of Athens
Classification: Pathogenic for Charcot-Marie-Tooth disease, type IA. Last evaluated: 2021-10-05. Review status: criteria provided, single submitter. Criteria: ACMG Guidelines, 2015. Collection method: clinical testing. Allele origin: unknown. Affected: yes.
Comment: PM1, PM2, PM5, PP3, PP5

Revvity Omics, Revvity
Classification: Pathogenic. Last evaluated: 2020-08-28. Review status: criteria provided, single submitter. Criteria: ACMG Guidelines, 2015. Collection method: clinical testing. Allele origin: germline.

Blueprint Genetics
Classification: Pathogenic for PMP22-related disorders. Last evaluated: 2020-07-29. Review status: criteria provided, single submitter. Criteria: ACMG Guidelines, 2015. Collection method: clinical testing. Allele origin: germline. Affected: yes. Observed: 1 variant allele.

Ambry Genetics
Classification: Pathogenic for Inborn genetic diseases. Last evaluated: 2017-04-24. Review status: criteria provided, single submitter. Criteria: Ambry exome assertion method (8-5-2015). Collection method: clinical testing. Allele origin: germline. Affected: yes. Observed: 1 variant allele.

Eurofins Ntd Llc (ga)
Classification: Pathogenic. Last evaluated: 2014-12-05. Review status: criteria provided, single submitter. Criteria: EGL Classification Definitions 2015. Collection method: clinical testing. Allele origin: germline. Observed: 1 variant allele, 1 heterozygote.

OMIM
Classification: Pathogenic for DEJERINE-SOTTAS SYNDROME, AUTOSOMAL DOMINANT. Last evaluated: 1998-05-01. Review status: no assertion criteria provided. Collection method: literature only. Allele origin: germline. Not counted in ClinVar's aggregate classification.

Literature cited by the submitters: PubMed 9055797 (cited by 3billion); PubMed 9004143 (cited by 3 submitters); PubMed 10399754 (cited by 3 submitters); PubMed 11314784 (cited by 4 submitters); PubMed 9585367 (cited by 3 submitters); PubMed 8275092 (cited by 4 submitters); PubMed 21840889 (cited by Ambry Genetics); PubMed 15285778 (cited by Ambry Genetics and Eurofins Ntd Llc (ga)); PubMed 9888385 (cited by Eurofins Ntd Llc (ga)).

NM_000304.4(PMP22):c.215C>T (p.Ser72Leu)

Gene: PMP22 (peripheral myelin protein 22; minus strand). Cytogenetic location: 17p12.
Variant type: single nucleotide variant.
Coding change: c.215C>T on transcript NM_000304.4 (MANE Select); coding-DNA position 215, C replaced by T.
Protein change: p.Ser72Leu; replaces serine 72 with leucine.
Molecular consequence: missense variant. On other transcripts: non-coding transcript variant (2).
Genome position (GRCh38, 1-based): chr17:15,239,575, G>A on the plus strand (C>T on the coding strand, the complement: PMP22 is on the minus strand). VCF-style: chr17-15239575-G-A. GRCh37 (hg19) VCF-style: chr17-15142892-G-A.
Other names: c.215C>T, p.Ser72Leu (NM_001281455.2, NM_001281456.2, NM_001330143.2 and 2 more transcripts); short protein forms S72L.
Identifiers: ClinVar variation 8433 (VCV000008433.25), dbSNP rs104894621, ClinGen allele CA119620.